The following is an entry in ClinVar:

NM_170707.4(LMNA):c.315G>C (p.Glu105Asp)

Gene: LMNA (lamin A/C; plus strand). Cytogenetic location: 1q22.
Variant type: single nucleotide variant.
Coding change: c.315G>C on transcript NM_170707.4 (MANE Select); coding-DNA position 315, G replaced by C.
Protein change: p.Glu105Asp; replaces glutamic acid 105 with aspartic acid.
Molecular consequence: missense variant.
Genome position (GRCh38, 1-based): chr1:156,115,233, G>C. VCF-style: chr1-156115233-G-C. GRCh37 (hg19) VCF-style: chr1-156085024-G-C.
Other names: c.315G>C, p.Glu105Asp (NM_005572.4, NM_170708.4, NM_001282625.2 and 1 more transcripts); short protein forms E105D.
Identifiers: ClinVar variation 1412782 (VCV001412782.8), dbSNP rs2102818956, ClinGen allele CA342808753.

ClinVar aggregate classification (germline): Uncertain significance (1 of 4 stars; one submission).

Conditions:
Charcot-Marie-Tooth disease type 2. Also called: Charcot-Marie-Tooth type 2. Identifiers: Orphanet 64746, MedGen C0270914, MONDO:0018993.

Submission:

Labcorp Genetics (formerly Invitae), Labcorp
Classification: Uncertain significance for Charcot-Marie-Tooth disease type 2. Last evaluated: 2021-03-07. Review status: criteria provided, single submitter. Criteria: Invitae Variant Classification Sherloc (09022015). Collection method: clinical testing. Allele origin: germline.
Comment: This sequence change replaces glutamic acid with aspartic acid at codon 105 of the LMNA protein (p.Glu105Asp). The glutamic acid residue is highly conserved and there is a small physicochemical difference between glutamic acid and aspartic acid. This variant is not present in population databases (ExAC no frequency). This variant has not been reported in the literature in individuals with LMNA-related conditions. Algorithms developed to predict the effect of missense changes on protein structure and function (SIFT, PolyPhen-2, Align-GVGD) all suggest that this variant is likely to be disruptive, but these predictions have not been confirmed by published functional studies and their clinical significance is uncertain. In summary, the available evidence is currently insufficient to determine the role of this variant in disease. Therefore, it has been classified as a Variant of Uncertain Significance.